The following is an entry in ClinVar:

NM_004329.3(BMPR1A):c.1194G>C (p.Leu398Phe)

Gene: BMPR1A (bone morphogenetic protein receptor type 1A; plus strand). Cytogenetic location: 10q23.2.
Variant type: single nucleotide variant.
Coding change: c.1194G>C on transcript NM_004329.3 (MANE Select); coding-DNA position 1194, G replaced by C.
Protein change: p.Leu398Phe; replaces leucine 398 with phenylalanine.
Molecular consequence: missense variant. On other transcripts: non-coding transcript variant (3).
Genome position (GRCh38, 1-based): chr10:86,921,547, G>C. VCF-style: chr10-86921547-G-C. GRCh37 (hg19) VCF-style: chr10-88681304-G-C.
Other names: c.1110G>C, p.Leu370Phe (NM_001406587.1, NM_001406588.1, NM_001406584.1 and 2 more transcripts); c.852G>C, p.Leu284Phe (NM_001406589.1); c.1269G>C, p.Leu423Phe (NM_001406559.1); c.1242G>C, p.Leu414Phe (NM_001406560.1); c.1194G>C, p.Leu398Phe (NM_001406561.1, NM_001406562.1, NM_001406563.1 and 19 more transcripts); c.1188G>C, p.Leu396Phe (NM_001406583.1); short protein forms L284F, L370F, L396F, L398F, L414F, L423F.
Identifiers: ClinVar variation 2499863 (VCV002499863.2), dbSNP rs2539635829, ClinGen allele CA377461904.

ClinVar aggregate classification (germline): Uncertain significance. Review status: criteria provided, multiple submitters, no conflicts (2 of 4 stars). 2 submissions from 2 submitters: Uncertain significance (2). Last evaluated 2026-08-23.

Conditions:
Hereditary cancer-predisposing syndrome. Also called: Hereditary Cancer Syndrome; Hereditary neoplastic syndrome; Neoplastic Syndromes, Hereditary; Tumor predisposition. Identifiers: Orphanet 140162, MedGen C0027672, MeSH D009386, MONDO:0015356.

Submissions (2):

Ambry Genetics
Classification: Uncertain significance for Hereditary cancer-predisposing syndrome. Last evaluated: 2026-08-23. Review status: criteria provided, single submitter. Criteria: Ambry Variant Classification Scheme 2023. Collection method: clinical testing. Allele origin: germline.
Comment: The p.L398F variant (also known as c.1194G>C), located in coding exon 9 of the BMPR1A gene, results from a G to C substitution at nucleotide position 1194. The leucine at codon 398 is replaced by phenylalanine, an amino acid with highly similar properties. This amino acid position is conserved. In addition, the in silico prediction for this alteration is inconclusive. Based on the available evidence, the clinical significance of this variant remains unclear.

GeneDx
Classification: Uncertain significance. Last evaluated: 2022-10-20. Review status: criteria provided, single submitter. Criteria: GeneDx Variant Classification Process June 2021. Collection method: clinical testing. Allele origin: germline. Affected: yes.
Comment: Not observed at significant frequency in large population cohorts (gnomAD); In silico analysis supports that this missense variant does not alter protein structure/function; Has not been previously published as pathogenic or benign to our knowledge